The following is an entry in ClinVar:

ClinVar aggregate classification (germline): Pathogenic. Review status: criteria provided, multiple submitters, no conflicts (2 of 4 stars). 2 submissions from 2 submitters: Pathogenic (2). Last evaluated 2025-10-28.

Conditions:
Inborn genetic diseases. Identifiers: MedGen C0950123, MeSH D030342.
Van der Woude syndrome 1. Also called: CLEFT LIP AND/OR PALATE WITH MUCOUS CYSTS OF LOWER LIP; van der Woude Syndrome (VWS). Identifiers: MedGen C4551864, MONDO:0007333, OMIM 119300.

Submissions (2):

Variantyx, Inc.
Classification: Pathogenic for Van der Woude syndrome 1. Last evaluated: 2025-10-28. Review status: criteria provided, single submitter. Criteria: Variantyx Assertion Criteria 2022. Collection method: clinical testing. Allele origin: germline. Inheritance: Autosomal dominant inheritance. Affected: yes.
Comment: This is a frameshift variant in the IRF6 gene (OMIM: 607199). Pathogenic variants in this gene have been associated with autosomal dominant Van der Woude syndrome 1. This variant introduces a premature termination codon in exon 3 out of 9 and is expected to result in loss of function, which is a known disease mechanism for IRF6 in this disorder (12219090, 18247422)(PVS1). This variant has been reported in at least one affected individual (PMID: 12219090) (PS4) and has been observed to segregate with disease in at least four individuals from one family (PMID: 18247422) (PP1). This variant is absent from control populations (PM2). Based on the current evidence, this variant is classified as pathogenic for autosomal dominant Van der Woude syndrome 1.

Ambry Genetics
Classification: Pathogenic for Inborn genetic diseases. Last evaluated: 2025-02-14. Review status: criteria provided, single submitter. Criteria: Ambry Variant Classification Scheme 2023. Collection method: clinical testing. Allele origin: germline.
Comment: The c.16dupC (p.R6Pfs*15) alteration, located in exon 3 (coding exon 1) of the IRF6 gene, consists of a duplication of C at position 16, causing a translational frameshift with a predicted alternate stop codon after 15 amino acids. This alteration is expected to result in loss of function by premature protein truncation or nonsense-mediated mRNA decay. This variant was not reported in population-based cohorts in the Genome Aggregation Database (gnomAD). This variant was identified in one or more individuals with features consistent with IRF6-related disorders; in at least one individual the variant was determined to be de novo (Kondo, 2002; Birnbaum, 2008). The variant also segregated with disease in at least one family (Birnbaum, 2008). Based on the available evidence, this alteration is classified as pathogenic.

Literature cited by the submitters: PubMed 18247422 (cited by Variantyx, Inc. and Ambry Genetics); PubMed 12219090 (cited by Variantyx, Inc. and Ambry Genetics).

NM_006147.4(IRF6):c.16dup (p.Arg6fs)

Gene: IRF6 (interferon regulatory factor 6; minus strand). Cytogenetic location: 1q32.2.
Variant type: Duplication.
Coding change: c.16dup on transcript NM_006147.4 (MANE Select); coding-DNA position 16, one base duplicated (C; older notation c.16dupC).
Protein change: p.Arg6fs; shifts the reading frame from arginine 6.
Molecular consequence: frameshift variant. On other transcripts: intron variant (1).
Genome position (GRCh38, 1-based): chr1:209,801,398, G duplicated on the plus strand (C on the coding strand, the reverse complement: IRF6 is on the minus strand); the first of 5 consecutive G bases (chr1:209,801,398-209,801,402); duplicating any one gives the same sequence. VCF-style (leftmost placement, unchanged base first): chr1-209801397-C-CG. GRCh37 (hg19) VCF-style: chr1-209974742-C-CG.
Other names: c.-112+4549dup (NM_001206696.2); short protein forms R6fs.
Identifiers: ClinVar variation 3861266 (VCV003861266.1).
Genomic context (GRCh38, chr1:209,801,397, plus strand): 5'-AGCCCAGGGTAGAGGCCACTATCCACCTGGGCCACCAGCCAGGGCTTTAGCCGGACTCTG[C>CG]GGGGGTGGAGGGCCATGATCTGGGGGGGTCAGAGGGAGAAATGGGAAGAGCAGAAGAATT-3'